The following is an entry in ClinVar:

ClinVar aggregate classification (germline): Uncertain significance. Review status: criteria provided, multiple submitters, no conflicts (2 of 4 stars). 3 submissions from 3 submitters: Uncertain significance (3). Last evaluated 2023-12-27.

Conditions:
CHEK2-related cancer predisposition (TPDS4). Also called: TUMOR PREDISPOSITION SYNDROME 4; CANCER PREDISPOSITION SYNDROME, CHEK2-RELATED; CHEK2-related cancer susceptibility. Identifiers: Orphanet 524, MedGen C5882668, MONDO:0700271, OMIM 609265.
Familial cancer of breast. Also called: BREAST CANCER, FAMILIAL; Hereditary breast cancer; hereditary breast carcinoma. Identifiers: Orphanet 227535, MedGen C0346153, MONDO:0016419, OMIM 114480. Disease mechanism: loss of function.

Allele frequency attached by ClinVar (database versions not stated): gnomAD exomes below 0.00001; gnomAD 0.00001.
gnomAD v4.1: 4 of 1,558,158 alleles (0.00026%); highest among the groups gnomAD compares: South Asian, 0.0023%; no homozygotes.

Submissions (3):

Baylor Genetics
Classification: Uncertain significance for Familial cancer of breast. Last evaluated: 2023-12-27. Review status: criteria provided, single submitter. Criteria: ACMG Guidelines, 2015. Collection method: clinical testing. Allele origin: unknown.

Labcorp Genetics (formerly Invitae), Labcorp
Classification: Uncertain significance for Familial cancer of breast. Last evaluated: 2023-05-30. Review status: criteria provided, single submitter. Criteria: Invitae Variant Classification Sherloc (09022015). Collection method: clinical testing. Allele origin: germline.
Comment: This sequence change replaces phenylalanine, which is neutral and non-polar, with serine, which is neutral and polar, at codon 292 of the CHEK2 protein (p.Phe292Ser). This variant is not present in population databases (gnomAD no frequency). This variant has not been reported in the literature in individuals affected with CHEK2-related conditions. ClinVar contains an entry for this variant (Variation ID: 938460). An algorithm developed to predict the effect of missense changes on protein structure and function (PolyPhen-2) suggests that this variant is likely to be disruptive. In summary, the available evidence is currently insufficient to determine the role of this variant in disease. Therefore, it has been classified as a Variant of Uncertain Significance.

Department of Pathology and Laboratory Medicine, Sinai Health System
Classification: Uncertain significance for CHEK2-related cancer predisposition. Last evaluated: 2019-12-27. Review status: criteria provided, single submitter. Criteria: ACMG Guidelines, 2015. Collection method: clinical testing. Allele origin: germline. Affected: yes.

NM_007194.4(CHEK2):c.875T>C (p.Phe292Ser)

Gene: CHEK2 (checkpoint kinase 2; minus strand). Cytogenetic location: 22q12.1.
Variant type: single nucleotide variant.
Coding change: c.875T>C on transcript NM_007194.4 (MANE Select); coding-DNA position 875, T replaced by C.
Protein change: p.Phe292Ser; replaces phenylalanine 292 with serine.
Molecular consequence: missense variant.
Genome position (GRCh38, 1-based): chr22:28,703,538, A>G on the plus strand (T>C on the coding strand, the complement: CHEK2 is on the minus strand). VCF-style: chr22-28703538-A-G. GRCh37 (hg19) VCF-style: chr22-29099526-A-G.
Other names: c.1004T>C, p.Phe335Ser (NM_001005735.3); c.212T>C, p.Phe71Ser (NM_001257387.3); c.674T>C, p.Phe225Ser (NM_001349956.3); c.875T>C, p.Phe292Ser (NM_145862.3); short protein forms F335S, F225S, F292S, F71S.
Identifiers: ClinVar variation 938460 (VCV000938460.12), dbSNP rs2052979739, ClinGen allele CA411101166.